The following is an entry in ClinVar:

ClinVar aggregate classification (germline): Uncertain significance (1 of 4 stars; one submission).

Submission:

Labcorp Genetics (formerly Invitae), Labcorp
Classification: Uncertain significance. Last evaluated: 2022-06-20. Review status: criteria provided, single submitter. Criteria: Invitae Variant Classification Sherloc (09022015). Collection method: clinical testing. Allele origin: germline.
Comment: In summary, the available evidence is currently insufficient to determine the role of this variant in disease. Therefore, it has been classified as a Variant of Uncertain Significance. Algorithms developed to predict the effect of missense changes on protein structure and function (SIFT, PolyPhen-2, Align-GVGD) all suggest that this variant is likely to be disruptive. This variant has not been reported in the literature in individuals affected with KIAA1549-related conditions. This variant is not present in population databases (gnomAD no frequency). This sequence change replaces asparagine, which is neutral and polar, with lysine, which is basic and polar, at codon 1261 of the KIAA1549 protein (p.Asn1261Lys).

NM_001164665.2(KIAA1549):c.3783C>A (p.Asn1261Lys)

Gene: KIAA1549 (KIAA1549; minus strand). Cytogenetic location: 7q34.
Variant type: single nucleotide variant.
Coding change: c.3783C>A on transcript NM_001164665.2 (MANE Select); coding-DNA position 3783, C replaced by A.
Protein change: p.Asn1261Lys; replaces asparagine 1261 with lysine.
Molecular consequence: missense variant.
Genome position (GRCh38, 1-based): chr7:138,899,019, G>T on the plus strand (C>A on the coding strand, the complement: KIAA1549 is on the minus strand). VCF-style: chr7-138899019-G-T. GRCh37 (hg19) VCF-style: chr7-138583765-G-T.
Other names: c.3783C>A, p.Asn1261Lys (NM_020910.3); short protein forms N1261K.
Identifiers: ClinVar variation 2008717 (VCV002008717.4), dbSNP rs375104518, ClinGen allele CA369381413.